The following is an entry in ClinVar:

ClinVar aggregate classification (germline): Conflicting classifications of pathogenicity. Review status: criteria provided, conflicting classifications (1 of 4 stars). 3 submissions from 3 submitters: Uncertain significance (1); Benign (1). 1 of the submissions does not count toward it. Last evaluated 2026-08-10.

Conditions:
Heterotopia, periventricular, X-linked dominant (PVNH1). Also called: PERIVENTRICULAR NODULAR HETEROTOPIA 1; X-linked periventricular heterotopia; PERIVENTRICULAR NODULAR HETEROTOPIA 4; HETEROTOPIA, PERIVENTRICULAR, 1. Identifiers: Orphanet 2149, Orphanet 82004, MedGen C1848213, MONDO:0010233, OMIM 300049.
Oto-palato-digital syndrome, type II (OPD2). Also called: Otopalatodigital Syndrome, Type II; Otopalatodigital Syndrome Type 2 (FLNA-OPD2); FACIOPALATOOSSEOUS SYNDROME; OPD II SYNDROME. Identifiers: Orphanet 669, Orphanet 90652, MedGen C1844696, MONDO:0010571, OMIM 304120.
Frontometaphyseal dysplasia (FMD1). Identifiers: Orphanet 1826, MedGen C0265293, MONDO:0015942.
Melnick-Needles syndrome (MNS). Also called: Melnick-Needles Syndrome (FLNA-MNS); MELNICK-NEEDLES OSTEODYSPLASTY; OSTEODYSPLASTY OF MELNICK AND NEEDLES. Identifiers: Orphanet 2484, MedGen C0025237, MONDO:0010650, OMIM 309350.
FLNA-related disorder.
Familial thoracic aortic aneurysm and aortic dissection (TAAD). Also called: Thoracic aortic aneurysms and dissections. Identifiers: Orphanet 91387, MedGen C4707243, MONDO:0019625.

Allele frequency attached by ClinVar (database versions not stated): gnomAD exomes 0.00001 and 0.00002; ExAC 0.00002.

Submissions (3):

Ambry Genetics
Classification: Uncertain significance for Familial thoracic aortic aneurysm and aortic dissection. Last evaluated: 2026-08-10. Review status: criteria provided, single submitter. Criteria: Ambry Variant Classification Scheme 2023. Collection method: clinical testing. Allele origin: germline.
Comment: The p.E888K variant (also known as c.2662G>A), located in coding exon 18 of the FLNA gene, results from a G to A substitution at nucleotide position 2662. The glutamic acid at codon 888 is replaced by lysine, an amino acid with similar properties. This amino acid position is conserved. In addition, this alteration is predicted to be deleterious by in silico analysis. Based on the available evidence, the clinical significance of this variant remains unclear.

Labcorp Genetics (formerly Invitae), Labcorp
Classification: Benign for Oto-palato-digital syndrome, type II; Heterotopia, periventricular, X-linked dominant; Frontometaphyseal dysplasia; Melnick-Needles syndrome. Last evaluated: 2025-04-21. Review status: criteria provided, single submitter. Criteria: Invitae Variant Classification Sherloc (09022015). Collection method: clinical testing. Allele origin: germline.

PreventionGenetics, part of Exact Sciences
Classification: Uncertain significance for FLNA-related condition. Last evaluated: 2024-06-24. Review status: no assertion criteria provided. Collection method: clinical testing. Allele origin: germline. Not counted in ClinVar's aggregate classification.
Comment: The FLNA c.2662G>A variant is predicted to result in the amino acid substitution p.Glu888Lys. To our knowledge, this variant has not been reported in the literature. This variant is reported in 0.016% of alleles in individuals of South Asian descent in gnomAD. Although we suspect that this variant may be benign, at this time, the clinical significance of this variant is uncertain due to the absence of conclusive functional and genetic evidence.

NM_001110556.2(FLNA):c.2662G>A (p.Glu888Lys)

Gene: FLNA (filamin A; minus strand). Cytogenetic location: Xq28.
Variant type: single nucleotide variant.
Coding change: c.2662G>A on transcript NM_001110556.2 (MANE Select); coding-DNA position 2662, G replaced by A.
Protein change: p.Glu888Lys; replaces glutamic acid 888 with lysine.
Molecular consequence: missense variant.
Genome position (GRCh38, 1-based): chrX:154,362,143, C>T on the plus strand (G>A on the coding strand, the complement: FLNA is on the minus strand). VCF-style: chrX-154362143-C-T. GRCh37 (hg19) VCF-style: chrX-153590511-C-T.
Other names: c.2662G>A, p.Glu888Lys (NM_001456.4); c.2662G>A (NM_001110556.1, NM_001456.3); short protein forms E888K.
Identifiers: ClinVar variation 1380070 (VCV001380070.12), dbSNP rs782580568, ClinGen allele CA10560858.
Genomic context (GRCh38, chrX:154,362,143, plus strand): 5'-CCAGCTTGCCTTTGCCAGCAGCTTTGGCATTTACTGTGAAGTGGGTGGGCTTGCCAAGCT[C>T]GACACCTGAGGAACACACAGGGACCATGTAGGGGCACCCTGCCCCAAGCCCTCCTACCCT-3'
Protein context (NP_001104026.1, residues 878-898): EGPGLSRTGV[Glu888Lys]LGKPTHFTVN